The following is an entry in ClinVar:

NM_013339.4(ALG6):c.1402G>C (p.Asp468His)

Gene: ALG6 (ALG6 alpha-1,3-glucosyltransferase; plus strand). Cytogenetic location: 1p31.3.
Variant type: single nucleotide variant.
Coding change: c.1402G>C on transcript NM_013339.4 (MANE Select); coding-DNA position 1402, G replaced by C.
Protein change: p.Asp468His; replaces aspartic acid 468 with histidine.
Molecular consequence: missense variant.
Genome position (GRCh38, 1-based): chr1:63,436,898, G>C. VCF-style: chr1-63436898-G-C. GRCh37 (hg19) VCF-style: chr1-63902569-G-C.
Other names: short protein forms D468H.
Identifiers: ClinVar variation 1497330 (VCV001497330.8), dbSNP rs1644682187, ClinGen allele CA340641696.

ClinVar aggregate classification (germline): Uncertain significance (1 of 4 stars; one submission).

Conditions:
ALG6-congenital disorder of glycosylation 1C (CDG1C). Also called: Congenital disorder of glycosylation, type Ic; CARBOHYDRATE-DEFICIENT GLYCOPROTEIN SYNDROME, TYPE I, WITH DEFICIENT GLYCOSYLATION OF DOLICHOL-LINKED OLIGOSACCHARIDE; CARBOHYDRATE-DEFICIENT GLYCOPROTEIN SYNDROME, TYPE V; Congenital disorder of glycosylation type 1C; CDG Ic. Identifiers: Orphanet 79320, MedGen C2930997, MONDO:0011291, OMIM 603147.

Allele frequency attached by ClinVar (database versions not stated): TOPMed below 0.00001.

Submission:

Labcorp Genetics (formerly Invitae), Labcorp
Classification: Uncertain significance for ALG6-congenital disorder of glycosylation 1C. Last evaluated: 2025-09-15. Review status: criteria provided, single submitter. Criteria: Invitae Variant Classification Sherloc (09022015). Collection method: clinical testing. Allele origin: germline.
Comment: This sequence change replaces aspartic acid, which is acidic and polar, with histidine, which is basic and polar, at codon 468 of the ALG6 protein (p.Asp468His). This variant is not present in population databases (gnomAD no frequency). This variant has not been reported in the literature in individuals affected with ALG6-related conditions. ClinVar contains an entry for this variant (Variation ID: 1497330). Invitae Evidence Modeling of protein sequence and biophysical properties (such as structural, functional, and spatial information, amino acid conservation, physicochemical variation, residue mobility, and thermodynamic stability) indicates that this missense variant is not expected to disrupt ALG6 protein function with a negative predictive value of 95%. In summary, the available evidence is currently insufficient to determine the role of this variant in disease. Therefore, it has been classified as a Variant of Uncertain Significance.